The following is an entry in ClinVar:

NM_001042492.3(NF1):c.5813-14G>A

Gene: NF1 (neurofibromin 1; plus strand). Cytogenetic location: 17q11.2.
Variant type: single nucleotide variant.
Coding change: c.5813-14G>A on transcript NM_001042492.3 (MANE Select); 14 bases into the intron before coding-DNA position 5813, G replaced by A.
Molecular consequence: intron variant.
Genome position (GRCh38, 1-based): chr17:31,334,824, G>A. VCF-style: chr17-31334824-G-A. GRCh37 (hg19) VCF-style: chr17-29661842-G-A.
Other names: c.5750-14G>A (NM_000267.4).
Identifiers: ClinVar variation 384356 (VCV000384356.1), dbSNP rs779945790, ClinGen allele CA8487265.

ClinVar aggregate classification (germline): Likely benign (1 of 4 stars; one submission).

Allele frequency attached by ClinVar (database versions not stated): gnomAD exomes below 0.00001; ExAC 0.00001.
gnomAD v4.1: 1 of 1,599,756 alleles (0.000063%); highest among the groups gnomAD compares: Non-Finnish European, 0.000086%; no homozygotes.

Submission:

GeneDx
Classification: Likely benign. Last evaluated: 2016-02-29. Review status: criteria provided, single submitter. Criteria: GeneDx Variant Classification (06012015). Collection method: clinical testing. Allele origin: germline. Affected: yes.
Comment: This variant is considered likely benign or benign based on one or more of the following criteria: it is a conservative change, it occurs at a poorly conserved position in the protein, it is predicted to be benign by multiple in silico algorithms, and/or has population frequency not consistent with disease.